The following is an entry in ClinVar:

ClinVar aggregate classification (germline): Uncertain significance (1 of 4 stars; one submission).

Conditions:
Joubert syndrome 18 (JBTS18). Identifiers: Orphanet 2754, MedGen C3553758, MONDO:0013896, OMIM 614815.
Orofacial-digital syndrome IV (OFD4). Also called: BARAITSER-BURN SYNDROME; OFD SYNDROME WITH TIBIAL DEFECTS; OFD SYNDROME, BARAITSER-BURN TYPE; OFDS IV; ORAL-FACIAL-DIGITAL SYNDROME, TYPE IV; MOHR-MAJEWSKI SYNDROME. Identifiers: Orphanet 2753, MedGen C0406727, MONDO:0009794, OMIM 258860.

Submission:

Labcorp Genetics (formerly Invitae), Labcorp
Classification: Uncertain significance for Joubert syndrome 18; Orofacial-digital syndrome IV. Last evaluated: 2023-12-11. Review status: criteria provided, single submitter. Criteria: Invitae Variant Classification Sherloc (09022015). Collection method: clinical testing. Allele origin: germline.
Comment: This sequence change replaces phenylalanine, which is neutral and non-polar, with leucine, which is neutral and non-polar, at codon 522 of the TCTN3 protein (p.Phe522Leu). This variant is not present in population databases (gnomAD no frequency). This variant has not been reported in the literature in individuals affected with TCTN3-related conditions. ClinVar contains an entry for this variant (Variation ID: 1716251). Advanced modeling of protein sequence and biophysical properties (such as structural, functional, and spatial information, amino acid conservation, physicochemical variation, residue mobility, and thermodynamic stability) performed at Invitae indicates that this missense variant is not expected to disrupt TCTN3 protein function with a negative predictive value of 80%. In summary, the available evidence is currently insufficient to determine the role of this variant in disease. Therefore, it has been classified as a Variant of Uncertain Significance.

NM_015631.6(TCTN3):c.1564T>C (p.Phe522Leu)

Gene: TCTN3 (tectonic family member 3; minus strand). Cytogenetic location: 10q24.1.
Variant type: single nucleotide variant.
Coding change: c.1564T>C on transcript NM_015631.6 (MANE Select); coding-DNA position 1564, T replaced by C.
Protein change: p.Phe522Leu; replaces phenylalanine 522 with leucine.
Molecular consequence: missense variant.
Genome position (GRCh38, 1-based): chr10:95,680,498, A>G on the plus strand (T>C on the coding strand, the complement: TCTN3 is on the minus strand). VCF-style: chr10-95680498-A-G. GRCh37 (hg19) VCF-style: chr10-97440255-A-G.
Other names: c.1618T>C, p.Phe540Leu (NM_001013840.1); c.1120T>C, p.Phe374Leu (NM_001143973.2); c.1468T>C, p.Phe490Leu (NM_001410982.1); short protein forms F374L, F490L, F522L, F540L.
Identifiers: ClinVar variation 1716251 (VCV001716251.5), dbSNP rs2492731203, ClinGen allele CA377701740.
Genomic context (GRCh38, chr10:95,680,498, plus strand): 5'-AAGGTTTAGTGATCCTTTATGAGCCATGACTTACCTGTATAGACTGGCACTGGTATAGGA[A>G]TCGAACTCCTGATACATGAGCTTGCGGGTTGGACAGGAGACCTACATATGCCCACAATAC-3'
Protein context (NP_056446.4, residues 512-532): NPQAHVSGVR[Phe522Leu]LYQCQSIQDS